The following is an entry in ClinVar:

NM_000238.4(KCNH2):c.751C>T (p.Pro251Ser)

Gene: KCNH2 (potassium voltage-gated channel subfamily H member 2; minus strand). Cytogenetic location: 7q36.1.
Variant type: single nucleotide variant.
Coding change: c.751C>T on transcript NM_000238.4 (MANE Select); coding-DNA position 751, C replaced by T.
Protein change: p.Pro251Ser; replaces proline 251 with serine.
Molecular consequence: missense variant.
Genome position (GRCh38, 1-based): chr7:150,958,224, G>A on the plus strand (C>T on the coding strand, the complement: KCNH2 is on the minus strand). VCF-style: chr7-150958224-G-A. GRCh37 (hg19) VCF-style: chr7-150655312-G-A.
Other names: c.751C>T (LRG_288t1); c.463C>T, p.Pro155Ser (NM_001406753.1, NM_001406756.1); c.574C>T, p.Pro192Ser (NM_001406755.1); c.451C>T, p.Pro151Ser (NM_001406757.1); c.751C>T, p.Pro251Ser (NM_172056.3); short protein forms P251S, P192S, P155S, P151S.
Identifiers: ClinVar variation 67523 (VCV000067523.8), dbSNP rs199472873, ClinGen allele CA008748.

ClinVar aggregate classification (germline): Uncertain significance. Review status: criteria provided, multiple submitters, no conflicts (2 of 4 stars). 3 submissions from 3 submitters: Uncertain significance (2). 1 of the submissions does not count toward it. Last evaluated 2025-01-08.

Conditions:
Cardiovascular phenotype. Identifiers: MedGen CN230736.
Familial long QT syndrome (RWS). Also called: Congenital long QT syndrome; Romano-Ward syndrome; VENTRICULAR FIBRILLATION WITH PROLONGED QT INTERVAL. Identifiers: Orphanet 768, MedGen C1141890, MONDO:0019171.
Long QT syndrome (LQTS). Identifiers: MedGen C0023976, MeSH D008133, MONDO:0002442. Disease mechanism: loss of function. Inheritance: Various modes of inheritance.

Allele frequency attached by ClinVar (database versions not stated): gnomAD exomes below 0.00001; TOPMed 0.00001.
gnomAD v4.1: 3 of 1,375,072 alleles (0.00022%); highest among the groups gnomAD compares: South Asian, 0.0017%; no homozygotes.

Submissions (3):

Ambry Genetics
Classification: Uncertain significance for Cardiovascular phenotype. Last evaluated: 2025-01-08. Review status: criteria provided, single submitter. Criteria: Ambry Variant Classification Scheme 2023. Collection method: clinical testing. Allele origin: germline.

Labcorp Genetics (formerly Invitae), Labcorp
Classification: Uncertain significance for Long QT syndrome. Last evaluated: 2023-01-31. Review status: criteria provided, single submitter. Criteria: Invitae Variant Classification Sherloc (09022015). Collection method: clinical testing. Allele origin: germline.
Comment: This sequence change replaces proline, which is neutral and non-polar, with serine, which is neutral and polar, at codon 251 of the KCNH2 protein (p.Pro251Ser). In summary, the available evidence is currently insufficient to determine the role of this variant in disease. Therefore, it has been classified as a Variant of Uncertain Significance. Algorithms developed to predict the effect of missense changes on protein structure and function are either unavailable or do not agree on the potential impact of this missense change (SIFT: "Deleterious"; PolyPhen-2: "Probably Damaging"; Align-GVGD: "Class C0"). ClinVar contains an entry for this variant (Variation ID: 67523). This missense change has been observed in individual(s) with Romano-Ward syndrome (PMID: 16414944). This variant is not present in population databases (gnomAD no frequency).

Cardiovascular Biomedical Research Unit, Royal Brompton & Harefield NHS Foundation Trust
No classification provided. Condition: Familial long QT syndrome. Review status: no classification provided. Collection method: literature only. Allele origin: germline. Not counted in ClinVar's aggregate classification.
Comment: This variant has been reported as associated with Long QT syndrome in the following publications (PMID:16414944). This is a literature report, and does not necessarily reflect the clinical interpretation of the Imperial College / Royal Brompton Cardiovascular Genetics laboratory.

Literature cited by the submitters: PubMed 16414944 (cited by Labcorp Genetics (formerly Invitae), Labcorp and Cardiovascular Biomedical Research Unit, Royal Brompton & Harefield NHS Foundation Trust); PubMed 22581653 (cited by Cardiovascular Biomedical Research Unit, Royal Brompton & Harefield NHS Foundation Trust).